The following is an entry in ClinVar:

NM_014956.5(CEP164):c.10C>T (p.Arg4Ter)

Gene: CEP164 (centrosomal protein 164; plus strand). Cytogenetic location: 11q23.3.
Variant type: single nucleotide variant.
Coding change: c.10C>T on transcript NM_014956.5 (MANE Select); coding-DNA position 10, C replaced by T.
Protein change: p.Arg4Ter; replaces arginine 4 with a stop codon.
Molecular consequence: nonsense.
Genome position (GRCh38, 1-based): chr11:117,338,596, C>T. VCF-style: chr11-117338596-C-T. GRCh37 (hg19) VCF-style: chr11-117209312-C-T.
Other names: c.10C>T, p.Arg4Ter (NM_001271933.2); short protein forms R4*.
Identifiers: ClinVar variation 1064314 (VCV001064314.11), dbSNP rs765277720, ClinGen allele CA6294294.
Genomic context (GRCh38, chr11:117,338,596, plus strand): 5'-TCTCTTTTGGTGGGGGCCTCTGGGATCTAGGTGTTTGAGCCCAGATGAGTCATGGCTGGA[C>T]GACCCCTCCGCATAGGAGATCAGCTGGTTCTGGAAGAAGATTATGATGAGACCTACATTC-3'

ClinVar aggregate classification (germline): Conflicting classifications of pathogenicity. Review status: criteria provided, conflicting classifications (1 of 4 stars). 4 submissions from 4 submitters: Pathogenic (1); Likely pathogenic (2); Uncertain significance (1). Last evaluated 2025-12-03.

Conditions:
CEP164-related disorder. Also called: CEP164-related condition.
Nephronophthisis 15 (NPHP15). Identifiers: Orphanet 3156, MedGen C3541853, MONDO:0013917, OMIM 614845.

Allele frequency attached by ClinVar (database versions not stated): ExAC 0.00001; gnomAD 0.00001; gnomAD exomes 0.00001 and 0.00002; TOPMed 0.00003.
gnomAD v4.1: 9 of 1,613,832 alleles (0.00056%); highest among the groups gnomAD compares: Admixed American, 0.0083%; no homozygotes.

Submissions (4):

PreventionGenetics, part of Exact Sciences
Classification: Likely pathogenic for CEP164-related condition. Last evaluated: 2025-12-03. Review status: criteria provided, single submitter. Criteria: ACMG Guidelines, 2015. Collection method: clinical testing. Allele origin: germline.
Comment: The CEP164 c.10C>T variant is predicted to result in premature protein termination (p.Arg4*). To our knowledge, this variant has not been reported in the literature in individuals with CEP164-related disorders. This variant is reported in 0.012% of alleles in individuals of Latino descent in gnomAD. Nonsense variants in CEP164 are expected to be pathogenic. This variant is interpreted as likely pathogenic.

Labcorp Genetics (formerly Invitae), Labcorp
Classification: Pathogenic for Nephronophthisis 15. Last evaluated: 2025-06-12. Review status: criteria provided, single submitter. Criteria: Invitae Variant Classification Sherloc (09022015). Collection method: clinical testing. Allele origin: germline.
Comment: This sequence change creates a premature translational stop signal (p.Arg4*) in the CEP164 gene. It is expected to result in an absent or disrupted protein product. Loss-of-function variants in CEP164 are known to be pathogenic (PMID: 22863007, 28125082, 32367404, 34132027, 34499853). This variant is present in population databases (rs765277720, gnomAD 0.01%). This variant has not been reported in the literature in individuals affected with CEP164-related conditions. ClinVar contains an entry for this variant (Variation ID: 1064314). For these reasons, this variant has been classified as Pathogenic.

GeneDx
Classification: Uncertain significance. Last evaluated: 2022-11-21. Review status: criteria provided, single submitter. Criteria: GeneDx Variant Classification Process June 2021. Collection method: clinical testing. Allele origin: germline. Affected: yes.
Comment: Nonsense variant predicted to result in protein truncation or nonsense mediated decay in a gene for which loss of function is a known mechanism of disease; Has not been previously published as pathogenic or benign to our knowledge

Fulgent Genetics
Classification: Likely pathogenic for Nephronophthisis 15. Last evaluated: 2021-06-30. Review status: criteria provided, single submitter. Criteria: ACMG Guidelines, 2015. Collection method: clinical testing. Allele origin: unknown.
Comment: This variant has been detected in individual(s) who were sent for testing of Renasight - kidney gene panel.

Literature cited by the submitters: PubMed 22863007 (cited by Labcorp Genetics (formerly Invitae), Labcorp); PubMed 28125082 (cited by Labcorp Genetics (formerly Invitae), Labcorp); PubMed 32367404 (cited by Labcorp Genetics (formerly Invitae), Labcorp); PubMed 34132027 (cited by Labcorp Genetics (formerly Invitae), Labcorp); PubMed 34499853 (cited by Labcorp Genetics (formerly Invitae), Labcorp).